The following is an entry in ClinVar:

NM_206933.4(USH2A):c.11712-5T>G

Gene: USH2A (usherin; minus strand). Cytogenetic location: 1q41.
Variant type: single nucleotide variant.
Coding change: c.11712-5T>G on transcript NM_206933.4 (MANE Select); 5 bases into the intron before coding-DNA position 11712, T replaced by G.
Molecular consequence: intron variant.
Genome position (GRCh38, 1-based): chr1:215,728,389, A>C on the plus strand (T>G on the coding strand, the complement: USH2A is on the minus strand). VCF-style: chr1-215728389-A-C. GRCh37 (hg19) VCF-style: chr1-215901731-A-C.
Identifiers: ClinVar variation 2124363 (VCV002124363.4), dbSNP rs2465050491, ClinGen allele CA2580062174.
Genomic context (GRCh38, chr1:215,728,389, plus strand): 5'-GGGCTCCTTCTGACCAGACAAATAAAACAGACTCCTCTTCAATGCCAGCAGGGCGTCTGA[A>C]AGGAAACCAAGCAGGCAACCAGTGACAGCTGCACACTTCAAAACAAAGTTTGTAGATGGA-3'

ClinVar aggregate classification (germline): Uncertain significance (1 of 4 stars; one submission).

Submission:

Labcorp Genetics (formerly Invitae), Labcorp
Classification: Uncertain significance. Last evaluated: 2022-04-10. Review status: criteria provided, single submitter. Criteria: Invitae Variant Classification Sherloc (09022015). Collection method: clinical testing. Allele origin: germline.
Comment: In summary, the available evidence is currently insufficient to determine the role of this variant in disease. Therefore, it has been classified as a Variant of Uncertain Significance. Algorithms developed to predict the effect of sequence changes on RNA splicing suggest that this variant may disrupt the consensus splice site. This variant has not been reported in the literature in individuals affected with USH2A-related conditions. This variant is not present in population databases (gnomAD no frequency). This sequence change falls in intron 60 of the USH2A gene. It does not directly change the encoded amino acid sequence of the USH2A protein.